The following is an entry in ClinVar:

NM_001197104.2(KMT2A):c.1795G>C (p.Ala599Pro)

Gene: KMT2A (lysine methyltransferase 2A; plus strand). Cytogenetic location: 11q23.3.
Variant type: single nucleotide variant.
Coding change: c.1795G>C on transcript NM_001197104.2 (MANE Select); coding-DNA position 1795, G replaced by C.
Protein change: p.Ala599Pro; replaces alanine 599 with proline.
Molecular consequence: missense variant.
Genome position (GRCh38, 1-based): chr11:118,472,954, G>C. VCF-style: chr11-118472954-G-C. GRCh37 (hg19) VCF-style: chr11-118343669-G-C.
Other names: c.1894G>C, p.Ala632Pro (NM_001412597.1); c.1795G>C, p.Ala599Pro (NM_005933.4); short protein forms A632P, A599P.
Identifiers: ClinVar variation 3695203 (VCV003695203.2).
Genomic context (GRCh38, chr11:118,472,954, plus strand): 5'-TCTGACCACACACCTTGGCTTATGCCTCCAACAATCCCCTTAGCATCACCATTTTTGCCT[G>C]CTTCCACTGCTCCTATGCAAGGGAAGCGAAAATCTATTTTGCGAGAACCGACATTTAGGT-3'
Protein context (NP_001184033.1, residues 589-609): TIPLASPFLP[Ala599Pro]STAPMQGKRK

ClinVar aggregate classification (germline): Uncertain significance (1 of 4 stars; one submission).

Submission:

Labcorp Genetics (formerly Invitae), Labcorp
Classification: Uncertain significance. Last evaluated: 2024-04-07. Review status: criteria provided, single submitter. Criteria: Invitae Variant Classification Sherloc (09022015). Collection method: clinical testing. Allele origin: germline.
Comment: This sequence change replaces alanine, which is neutral and non-polar, with proline, which is neutral and non-polar, at codon 599 of the KMT2A protein (p.Ala599Pro). This variant is not present in population databases (gnomAD no frequency). This variant has not been reported in the literature in individuals affected with KMT2A-related conditions. Advanced modeling of protein sequence and biophysical properties (such as structural, functional, and spatial information, amino acid conservation, physicochemical variation, residue mobility, and thermodynamic stability) performed at Invitae indicates that this missense variant is not expected to disrupt KMT2A protein function with a negative predictive value of 95%. In summary, the available evidence is currently insufficient to determine the role of this variant in disease. Therefore, it has been classified as a Variant of Uncertain Significance.